The following is an entry in ClinVar:

NM_018951.4(HOXA10):c.669C>T (p.Ala223=)

Genes: HOXA10 (homeobox A10; minus strand), HOXA10-HOXA9 (HOXA10-HOXA9 readthrough; minus strand). Cytogenetic location: 7p15.2.
Variant type: single nucleotide variant.
Coding change: c.669C>T on transcript NM_018951.4 (MANE Select); coding-DNA position 669, C replaced by T.
Protein change: p.Ala223=; no amino-acid change (alanine 223 retained).
Molecular consequence: synonymous variant.
Genome position (GRCh38, 1-based): chr7:27,173,638, G>A on the plus strand (C>T on the coding strand, the complement: HOXA10 is on the minus strand). VCF-style: chr7-27173638-G-A. GRCh37 (hg19) VCF-style: chr7-27213257-G-A.
Identifiers: ClinVar variation 3052831 (VCV003052831.16), dbSNP rs201128593, ClinGen allele CA4198088.

ClinVar aggregate classification (germline): Likely benign. Review status: criteria provided, single submitter (1 of 4 stars). 2 submissions from 2 submitters: Likely benign (1). 1 of the submissions does not count toward it. Last evaluated 2024-11-01.

Conditions:
HOXA10-related disorder. Also called: HOXA10-related condition.

Allele frequency attached by ClinVar (database versions not stated): TOPMed 0.00075; ExAC 0.00116; 1000 Genomes Project 30x 0.00219; 1000 Genomes Project 0.00280; gnomAD 0.00579.

Submissions (2):

CeGaT Center for Human Genetics Tuebingen
Classification: Likely benign. Last evaluated: 2024-11-01. Review status: criteria provided, single submitter. Criteria: CeGaT Center For Human Genetics Tuebingen Variant Classification Criteria Version 2. Collection method: clinical testing. Allele origin: germline. Affected: yes. Observed: 1 variant allele.
Comment: HOXA10: BP4, BS2

PreventionGenetics, part of Exact Sciences
Classification: Likely benign for HOXA10-related condition. Last evaluated: 2019-03-13. Review status: no assertion criteria provided. Collection method: clinical testing. Allele origin: germline. Not counted in ClinVar's aggregate classification.
Comment: This variant is classified as likely benign based on ACMG/AMP sequence variant interpretation guidelines (Richards et al. 2015 PMID: 25741868, with internal and published modifications).